The following is an entry in ClinVar:

ClinVar aggregate classification (germline): Likely benign. Review status: criteria provided, multiple submitters, no conflicts (2 of 4 stars). 3 submissions from 3 submitters: Likely benign (3). Last evaluated 2026-09-01.

Allele frequency attached by ClinVar (database versions not stated): gnomAD exomes 0.00004; TOPMed 0.00007; gnomAD 0.00009; ExAC 0.00013; 1000 Genomes Project 30x 0.00016; 1000 Genomes Project 0.00020.

Submissions (3):

CeGaT Center for Human Genetics Tuebingen
Classification: Likely benign. Last evaluated: 2026-09-01. Review status: criteria provided, single submitter. Criteria: CeGaT Center For Human Genetics Tuebingen Variant Classification Criteria Version 2. Collection method: clinical testing. Allele origin: germline. Affected: yes. Observed: 1 variant allele.
Comment: LAMA1: BP4

Labcorp Genetics (formerly Invitae), Labcorp
Classification: Likely benign. Last evaluated: 2024-03-25. Review status: criteria provided, single submitter. Criteria: Invitae Variant Classification Sherloc (09022015). Collection method: clinical testing. Allele origin: germline.

Blueprint Genetics
Classification: Likely benign. Last evaluated: 2023-12-21. Review status: criteria provided, single submitter. Criteria: ACMG Guidelines, 2015. Collection method: clinical testing. Allele origin: germline.

NM_005559.4(LAMA1):c.3684C>T (p.Asp1228=)

Gene: LAMA1 (laminin subunit alpha 1; minus strand). Cytogenetic location: 18p11.31.
Variant type: single nucleotide variant.
Coding change: c.3684C>T on transcript NM_005559.4 (MANE Select); coding-DNA position 3684, C replaced by T.
Protein change: p.Asp1228=; no amino-acid change (aspartic acid 1228 retained).
Molecular consequence: synonymous variant.
Genome position (GRCh38, 1-based): chr18:7,011,303, G>A on the plus strand (C>T on the coding strand, the complement: LAMA1 is on the minus strand). VCF-style: chr18-7011303-G-A. GRCh37 (hg19) VCF-style: chr18-7011302-G-A.
Identifiers: ClinVar variation 2192660 (VCV002192660.6), dbSNP rs199997517, ClinGen allele CA8882195.